The following is an entry in ClinVar:

ClinVar aggregate classification (germline): Benign. Review status: criteria provided, multiple submitters, no conflicts (2 of 4 stars). 2 submissions from 2 submitters: Benign (2). Last evaluated 2018-01-13.

Conditions:
Cystathioninuria. Also called: CYSTATHIONASE DEFICIENCY. Identifiers: Orphanet 212, MedGen C0220993, MONDO:0009058, OMIM 219500, HP:0003153.

Allele frequency attached by ClinVar (database versions not stated): gnomAD 0.03474 and 0.03731; TOPMed 0.03906; gnomAD exomes 0.04905; 1000 Genomes Project 30x 0.05903; 1000 Genomes Project 0.05911.
gnomAD v4.1: 5,977 of 156,586 alleles (3.8%); highest among the groups gnomAD compares: South Asian, 12%; 154 homozygotes.

Submissions (2):

Illumina Laboratory Services, Illumina
Classification: Benign for Cystathioninuria. Last evaluated: 2018-01-13. Review status: criteria provided, single submitter. Criteria: ICSL Variant Classification Criteria 13 December 2019. Collection method: clinical testing. Allele origin: germline.
Comment: This variant was observed in the ICSL laboratory as part of a predisposition screen in an ostensibly healthy population. It had not been previously curated by ICSL or reported in the Human Gene Mutation Database (HGMD: prior to June 1st, 2018), and was therefore a candidate for classification through an automated scoring system. Utilizing variant allele frequency, disease prevalence and penetrance estimates, and inheritance mode, an automated score was calculated to assess if this variant is too frequent to cause the disease. Based on the score and internal cut-off values, a variant classified as benign is not then subjected to further curation. The score for this variant resulted in a classification of benign for this disease.

Breakthrough Genomics
Classification: Benign. Review status: criteria provided, single submitter. Criteria: ACMG Guidelines, 2015. Collection method: not provided. Allele origin: germline. Inheritance: Autosomal recessive inheritance. Affected: yes.

NM_001902.6(CTH):c.*544G>A

Gene: CTH (cystathionine gamma-lyase; plus strand). Cytogenetic location: 1p31.1.
Variant type: single nucleotide variant.
Coding change: c.*544G>A on transcript NM_001902.6 (MANE Select); 544 bases downstream of the stop codon, G replaced by A.
Molecular consequence: 3 prime UTR variant.
Genome position (GRCh38, 1-based): chr1:70,439,671, G>A. VCF-style: chr1-70439671-G-A. GRCh37 (hg19) VCF-style: chr1-70905354-G-A.
Other names: c.*544G>A (NM_001190463.2, NM_153742.5).
Identifiers: ClinVar variation 298050 (VCV000298050.6), dbSNP rs45615634, ClinGen allele CA10611632.